The following is an entry in ClinVar:

ClinVar aggregate classification (germline): Pathogenic. Review status: criteria provided, multiple submitters, no conflicts (2 of 4 stars). 3 submissions from 3 submitters: Pathogenic (3). Last evaluated 2025-11-11.

Conditions:
Familial thoracic aortic aneurysm and aortic dissection (TAAD). Also called: Thoracic aortic aneurysms and dissections. Identifiers: Orphanet 91387, MedGen C4707243, MONDO:0019625.
Marfan syndrome (MFS). Also called: Marfan syndrome type 1; Marfan's syndrome; Marfan syndrome, classic; MARFAN SYNDROME, TYPE I; FBN1-Related Marfan Syndrome. Identifiers: Orphanet 284963, Orphanet 558, MedGen C0024796, MONDO:0007947, OMIM 154700.

Submissions (3):

Ambry Genetics
Classification: Pathogenic for Familial thoracic aortic aneurysm and aortic dissection. Last evaluated: 2025-11-11. Review status: criteria provided, single submitter. Criteria: Ambry Variant Classification Scheme 2023. Collection method: clinical testing. Allele origin: germline.
Comment: The p.Y665* pathogenic mutation (also known as c.1995C>G), located in coding exon 16 of the FBN1 gene, results from a C to G substitution at nucleotide position 1995. This changes the amino acid from a tyrosine to a stop codon within coding exon 16. This mutation has been observed in multiple individuals with features consistent with Marfan syndrome and related fibrillinopathies (Lebreiro A et al. Rev Port Cardiol, 2011 Jul;30:649-54; Lebreiro A et al. Rev Esp Cardiol, 2011 Feb;64:151-4; Liu Y et al. Front Genet, 2021 Sep;12:677699; Hu X et al. Front Genet, 2020 Jun;11:473). This variant is considered to be rare based on population cohorts in the Genome Aggregation Database (gnomAD). This alteration is expected to result in loss of function by premature protein truncation or nonsense-mediated mRNA decay. As such, this alteration is interpreted as a disease-causing mutation.

Labcorp Genetics (formerly Invitae), Labcorp
Classification: Pathogenic for Marfan syndrome; Familial thoracic aortic aneurysm and aortic dissection. Last evaluated: 2024-06-06. Review status: criteria provided, single submitter. Criteria: Invitae Variant Classification Sherloc (09022015). Collection method: clinical testing. Allele origin: germline.
Comment: This sequence change creates a premature translational stop signal (p.Tyr665*) in the FBN1 gene. It is expected to result in an absent or disrupted protein product. Loss-of-function variants in FBN1 are known to be pathogenic (PMID: 17657824, 19293843). This variant is not present in population databases (gnomAD no frequency). This premature translational stop signal has been observed in individual(s) with Marfan syndrome (PMID: 17657824, 19293843, 21194821). It has also been observed to segregate with disease in related individuals. ClinVar contains an entry for this variant (Variation ID: 1076897). For these reasons, this variant has been classified as Pathogenic.

3billion
Classification: Pathogenic for Marfan syndrome. Last evaluated: 2022-05-22. Review status: criteria provided, single submitter. Criteria: ACMG Guidelines, 2015. Collection method: clinical testing. Allele origin: germline. Affected: yes. Observed: 1 heterozygote.
Comment: The variant is not observed in the gnomAD v2.1.1 dataset. Stop-gained (nonsense): predicted to result in a loss or disruption of normal protein function through nonsense-mediated decay (NMD) or protein truncation. Multiple pathogenic variants are reported downstream of the variant. The variant has been reported to co-segregate with the disease in at least 7 similarly affected relatives/individuals in at least two unrelated families (PMID:21194821). Therefore, this variant is classified as pathogenic according to the recommendation of ACMG/AMP guideline.

Literature cited by the submitters: PubMed 21194821 (cited by 3 submitters); PubMed 22005308 (cited by Ambry Genetics); PubMed 32595695 (cited by Ambry Genetics); PubMed 34539730 (cited by Ambry Genetics); PubMed 17657824 (cited by Labcorp Genetics (formerly Invitae), Labcorp); PubMed 19293843 (cited by Labcorp Genetics (formerly Invitae), Labcorp).

NM_000138.5(FBN1):c.1995C>G (p.Tyr665Ter)

Gene: FBN1 (fibrillin 1; minus strand). Cytogenetic location: 15q21.1.
Variant type: single nucleotide variant.
Coding change: c.1995C>G on transcript NM_000138.5 (MANE Select); coding-DNA position 1995, C replaced by G.
Protein change: p.Tyr665Ter; replaces tyrosine 665 with a stop codon.
Molecular consequence: nonsense.
Genome position (GRCh38, 1-based): chr15:48,503,905, G>C on the plus strand (C>G on the coding strand, the complement: FBN1 is on the minus strand). VCF-style: chr15-48503905-G-C. GRCh37 (hg19) VCF-style: chr15-48796102-G-C.
Other names: c.1995C>G (NM_000138.4); short protein forms Y665*.
Identifiers: ClinVar variation 1076897 (VCV001076897.9), dbSNP rs2141315893, ClinGen allele CA392338706.
Genomic context (GRCh38, chr15:48,503,905, plus strand): 5'-GCAACAGCATTCAGATTTAGTGACAGCACCAAACAAAGGTTTGATACACTGGCCTCTCTT[G>C]TATCCACCATAGCATGTGCTCCGCATGTGTGTGTCTAAACAGGAAGAAGCATCTGTCATC-3'